The following is an entry in ClinVar:

NM_007294.4(BRCA1):c.648C>G (p.Ile216Met)

Gene: BRCA1 (BRCA1 DNA repair associated; minus strand). Cytogenetic location: 17q21.31.
Variant type: single nucleotide variant.
Coding change: c.648C>G on transcript NM_007294.4 (MANE Select); coding-DNA position 648, C replaced by G.
Protein change: p.Ile216Met; replaces isoleucine 216 with methionine.
Molecular consequence: missense variant. On other transcripts: non-coding transcript variant (1).
Genome position (GRCh38, 1-based): chr17:43,095,868, G>C on the plus strand (C>G on the coding strand, the complement: BRCA1 is on the minus strand). VCF-style: chr17-43095868-G-C. GRCh37 (hg19) VCF-style: chr17-41247885-G-C.
Other names: c.435C>G, p.Ile145Met (NM_001407571.1, NM_001407853.1, NM_001407894.1 and 12 more transcripts); c.648C>G, p.Ile216Met (NM_001407581.1, NM_001407582.1, NM_001407583.1 and 59 more transcripts); c.645C>G, p.Ile215Met (NM_001407587.1, NM_001407590.1, NM_001407591.1 and 41 more transcripts); c.639C>G, p.Ile213Met (NM_001407646.1, NM_001407647.1, NM_001408408.1); c.570C>G, p.Ile190Met (NM_001407653.1, NM_001407654.1, NM_001407655.1 and 9 more transcripts); c.567C>G, p.Ile189Met (NM_001407659.1, NM_001407660.1, NM_001407661.1 and 3 more transcripts); c.507C>G, p.Ile169Met (NM_001407692.1, NM_001407694.1, NM_001407695.1 and 43 more transcripts); c.504C>G, p.Ile168Met (NM_001407740.1, NM_001407741.1, NM_001407742.1 and 26 more transcripts); and 4 more; short protein forms I216M, I169M, I189M, I88M, I145M, I190M, I213M, I89M.
Identifiers: ClinVar variation 960534 (VCV000960534.13), dbSNP rs2054111045, ClinGen allele CA10600806.

ClinVar aggregate classification (germline): Uncertain significance. Review status: criteria provided, multiple submitters, no conflicts (2 of 4 stars). 3 submissions from 3 submitters: Uncertain significance (3). Last evaluated 2025-01-03.

Conditions:
BRCA1-related cancer predisposition. Identifiers: MedGen CN377757, MONDO:0700268.
Hereditary cancer-predisposing syndrome. Also called: Tumor predisposition; Hereditary neoplastic syndrome; Neoplastic Syndromes, Hereditary; Hereditary Cancer Syndrome. Identifiers: Orphanet 140162, MedGen C0027672, MeSH D009386, MONDO:0015356.
Hereditary breast ovarian cancer syndrome. Also called: Hereditary breast and ovarian cancer; BRCA1- and BRCA2-Associated Hereditary Breast and Ovarian Cancer; Hereditary breast and/or ovarian cancer syndrome; Hereditary breast and ovarian cancer syndrome; Hereditary breast and ovarian cancer syndrome (HBOC); Breast and ovarian cancer. Identifiers: Orphanet 145, MedGen C0677776, MeSH D061325, MONDO:0003582. Disease mechanism: loss of function.

Submissions (3):

Ambry Genetics
Classification: Uncertain significance for Hereditary cancer-predisposing syndrome. Last evaluated: 2025-01-03. Review status: criteria provided, single submitter. Criteria: Ambry Variant Classification Scheme 2023. Collection method: clinical testing. Allele origin: germline.
Comment: The p.I216M variant (also known as c.648C>G), located in coding exon 8 of the BRCA1 gene, results from a C to G substitution at nucleotide position 648. The isoleucine at codon 216 is replaced by methionine, an amino acid with highly similar properties. This amino acid position is poorly conserved in available vertebrate species. In addition, the in silico prediction for this alteration is inconclusive. Based on the available evidence, the clinical significance of this variant remains unclear.

All of Us Research Program, National Institutes of Health
Classification: Uncertain significance for BRCA1-related cancer predisposition. Last evaluated: 2024-03-05. Review status: criteria provided, single submitter. Criteria: ACMG Guidelines, 2015. Collection method: clinical testing. Allele origin: germline. Inheritance: Autosomal dominant inheritance. Observed: 1 variant allele, 1 heterozygote.
Comment: This study involves interpretation of variants in research participants for the purpose of population health screening. Participant phenotype was not available at the time of variant classification. Additional details can be found in publication PMID: 35346344, PMCID: PMC8962531

Labcorp Genetics (formerly Invitae), Labcorp
Classification: Uncertain significance for Hereditary breast ovarian cancer syndrome. Last evaluated: 2019-09-23. Review status: criteria provided, single submitter. Criteria: Invitae Variant Classification Sherloc (09022015). Collection method: clinical testing. Allele origin: germline.
Comment: This sequence change replaces isoleucine with methionine at codon 216 of the BRCA1 protein (p.Ile216Met). The isoleucine residue is weakly conserved and there is a small physicochemical difference between isoleucine and methionine. This variant is not present in population databases (ExAC no frequency). This variant has not been reported in the literature in individuals with BRCA1-related conditions. Algorithms developed to predict the effect of missense changes on protein structure and function (SIFT, PolyPhen-2, Align-GVGD) all suggest that this variant is likely to be tolerated, but these predictions have not been confirmed by published functional studies and their clinical significance is uncertain. In summary, the available evidence is currently insufficient to determine the role of this variant in disease. Therefore, it has been classified as a Variant of Uncertain Significance.